The following is an entry in ClinVar:

ClinVar aggregate classification (germline): Uncertain significance (1 of 4 stars; one submission).

Allele frequency attached by ClinVar (database versions not stated): ExAC 0.00001; gnomAD exomes 0.00001.

Submission:

CeGaT Center for Human Genetics Tuebingen
Classification: Uncertain significance. Last evaluated: 2023-08-01. Review status: criteria provided, single submitter. Criteria: CeGaT Center For Human Genetics Tuebingen Variant Classification Criteria Version 2. Collection method: clinical testing. Allele origin: germline. Affected: yes. Observed: 1 variant allele.
Comment: CALHM1: PM2, BP4

NM_001001412.4(CALHM1):c.175G>A (p.Ala59Thr)

Gene: CALHM1 (calcium homeostasis modulator 1; minus strand). Cytogenetic location: 10q24.33.
Variant type: single nucleotide variant.
Coding change: c.175G>A on transcript NM_001001412.4 (MANE Select); coding-DNA position 175, G replaced by A.
Protein change: p.Ala59Thr; replaces alanine 59 with threonine.
Molecular consequence: missense variant.
Genome position (GRCh38, 1-based): chr10:103,458,577, C>T on the plus strand (G>A on the coding strand, the complement: CALHM1 is on the minus strand). VCF-style: chr10-103458577-C-T. GRCh37 (hg19) VCF-style: chr10-105218334-C-T.
Other names: short protein forms A59T.
Identifiers: ClinVar variation 2640807 (VCV002640807.24), dbSNP rs754905270, ClinGen allele CA5674783.